The following is an entry in ClinVar:

NM_004036.5(ADCY3):c.3235G>T (p.Val1079Phe)

Genes: ADCY3 (adenylate cyclase 3; minus strand), CENPO (centromere protein O; plus strand). Cytogenetic location: 2p23.3.
Variant type: single nucleotide variant.
Coding change: c.3235G>T on transcript NM_004036.5 (MANE Select); coding-DNA position 3235, G replaced by T.
Protein change: p.Val1079Phe; replaces valine 1079 with phenylalanine.
Molecular consequence: missense variant. On other transcripts: 3 prime UTR variant (3), non-coding transcript variant (3).
Genome position (GRCh38, 1-based): chr2:24,820,741, C>A on the plus strand (G>T on the coding strand, the complement: ADCY3 is on the minus strand). VCF-style: chr2-24820741-C-A. GRCh37 (hg19) VCF-style: chr2-25043610-C-A.
Other names: c.3238G>T, p.Val1080Phe (NM_001320613.2); c.3301G>T, p.Val1101Phe (NM_001377128.1); c.3097G>T, p.Val1033Phe (NM_001377129.1); c.2683G>T, p.Val895Phe (NM_001377130.1); c.2512G>T, p.Val838Phe (NM_001377131.1); c.3235G>T, p.Val1079Phe (NM_001377132.1); c.*1423C>A (NM_001199803.3, NM_001322101.2, NM_024322.4); short protein forms V1080F, V1101F, V895F, V1033F, V838F, V1079F.
Identifiers: ClinVar variation 4988184 (VCV004988184.1).
Genomic context (GRCh38, chr2:24,820,741, plus strand): 5'-CATGCCGAGTCTGAGCACGTGCCAGCTGTGCCACTGGACATACCTGAATGTTGCCCATGA[C>A]CCCCGTGGACTCCATCCTGCTGGCTACATTGACTGTATTGCCCCAGATGTCGTAGTGTGG-3'
Protein context (NP_004027.2, residues 1069-1089): NVASRMESTG[Val1079Phe]MGNIQVVEET

ClinVar aggregate classification (germline): Uncertain significance (1 of 4 stars; one submission).

Conditions:
ADCY3-related disorder. Also called: ADCY3-related condition.

gnomAD v4.1: 3 of 1,614,090 alleles (0.00019%); highest among the groups gnomAD compares: Admixed American, 0.0017%; no homozygotes.

Submission:

PreventionGenetics, part of Exact Sciences
Classification: Uncertain significance for ADCY3-related condition. Last evaluated: 2024-10-27. Review status: criteria provided, single submitter. Criteria: ACMG Guidelines, 2015. Collection method: clinical testing. Allele origin: germline.
Comment: The ADCY3 c.3238G>T variant is predicted to result in the amino acid substitution p.Val1080Phe. To our knowledge, this variant has not been reported in the literature. This variant is reported in 0.0029% of alleles in individuals of Latino descent in gnomAD. At this time, the clinical significance of this variant is uncertain due to the absence of conclusive functional and genetic evidence.